The following is an entry in ClinVar:

ClinVar aggregate classification (germline): Uncertain significance. Review status: criteria provided, multiple submitters, no conflicts (2 of 4 stars). 2 submissions from 2 submitters: Uncertain significance (2). Last evaluated 2024-04-30.

Conditions:
Dystonia 12 (DYT12). Also called: DYT-ATP1A3; Rapid-Onset Dystonia-Parkinsonism (RDP). Identifiers: Orphanet 71517, MedGen C1868681, MONDO:0007496, OMIM 128235.

Allele frequency attached by ClinVar (database versions not stated): gnomAD exomes below 0.00001; gnomAD 0.00001.
gnomAD v4.1: 1 of 1,614,120 alleles (0.000062%); highest among the groups gnomAD compares: African/African-American, 0.0013%; no homozygotes.

Submissions (2):

Labcorp Genetics (formerly Invitae), Labcorp
Classification: Uncertain significance for Dystonia 12. Last evaluated: 2024-04-30. Review status: criteria provided, single submitter. Criteria: Invitae Variant Classification Sherloc (09022015). Collection method: clinical testing. Allele origin: germline.
Comment: This sequence change replaces glutamine, which is neutral and polar, with glutamic acid, which is acidic and polar, at codon 644 of the ATP1A3 protein (p.Gln644Glu). This variant is present in population databases (no rsID available, gnomAD 0.007%). This missense change has been observed in individual(s) with clinical features of ATP1A3-related conditions (Invitae). ClinVar contains an entry for this variant (Variation ID: 432585). Advanced modeling of protein sequence and biophysical properties (such as structural, functional, and spatial information, amino acid conservation, physicochemical variation, residue mobility, and thermodynamic stability) has been performed at Invitae for this missense variant, however the output from this modeling did not meet the statistical confidence thresholds required to predict the impact of this variant on ATP1A3 protein function. In summary, the available evidence is currently insufficient to determine the role of this variant in disease. Therefore, it has been classified as a Variant of Uncertain Significance.

GeneDx
Classification: Uncertain significance. Last evaluated: 2020-06-30. Review status: criteria provided, single submitter. Criteria: GeneDx Variant Classification Process June 2021. Collection method: clinical testing. Allele origin: germline. Affected: yes.
Comment: Not observed at a significant frequency in large population cohorts (Lek et al., 2016); In silico analysis supports that this missense variant does not alter protein structure/function; Has not been previously published as pathogenic or benign to our knowledge

NM_152296.5(ATP1A3):c.1930C>G (p.Gln644Glu)

Gene: ATP1A3 (ATPase Na+/K+ transporting subunit alpha 3; minus strand). Cytogenetic location: 19q13.2.
Variant type: single nucleotide variant.
Coding change: c.1930C>G on transcript NM_152296.5 (MANE Select); coding-DNA position 1930, C replaced by G.
Protein change: p.Gln644Glu; replaces glutamine 644 with glutamic acid.
Molecular consequence: missense variant.
Genome position (GRCh38, 1-based): chr19:41,977,949, G>C on the plus strand (C>G on the coding strand, the complement: ATP1A3 is on the minus strand). VCF-style: chr19-41977949-G-C. GRCh37 (hg19) VCF-style: chr19-42482101-G-C.
Other names: c.1963C>G, p.Gln655Glu (NM_001256213.2); c.1969C>G, p.Gln657Glu (NM_001256214.2); short protein forms Q644E, Q655E, Q657E.
Identifiers: ClinVar variation 432585 (VCV000432585.10), dbSNP rs1555861946, ClinGen allele CA406044835.